The following is an entry in ClinVar:

ClinVar aggregate classification (germline): Uncertain significance (1 of 4 stars; one submission).

Allele frequency attached by ClinVar (database versions not stated): TOPMed 0.00001; gnomAD exomes below 0.00001.
gnomAD v4.1: 4 of 1,613,694 alleles (0.00025%); highest among the groups gnomAD compares: East Asian, 0.0022%; no homozygotes.

Submission:

Labcorp Genetics (formerly Invitae), Labcorp
Classification: Uncertain significance. Last evaluated: 2021-10-07. Review status: criteria provided, single submitter. Criteria: Invitae Variant Classification Sherloc (09022015). Collection method: clinical testing. Allele origin: germline.
Comment: This variant has not been reported in the literature in individuals affected with COL9A1-related conditions. In summary, the available evidence is currently insufficient to determine the role of this variant in disease. Therefore, it has been classified as a Variant of Uncertain Significance. Advanced modeling of protein sequence and biophysical properties (such as structural, functional, and spatial information, amino acid conservation, physicochemical variation, residue mobility, and thermodynamic stability) performed at Invitae indicates that this missense variant is not expected to disrupt COL9A1 protein function. This variant is not present in population databases (ExAC no frequency). This sequence change replaces arginine with cysteine at codon 783 of the COL9A1 protein (p.Arg783Cys). The arginine residue is highly conserved and there is a large physicochemical difference between arginine and cysteine.

NM_001851.6(COL9A1):c.2347C>T (p.Arg783Cys)

Gene: COL9A1 (collagen type IX alpha 1 chain; minus strand). Cytogenetic location: 6q13.
Variant type: single nucleotide variant.
Coding change: c.2347C>T on transcript NM_001851.6 (MANE Select); coding-DNA position 2347, C replaced by T.
Protein change: p.Arg783Cys; replaces arginine 783 with cysteine.
Molecular consequence: missense variant. On other transcripts: non-coding transcript variant (1).
Genome position (GRCh38, 1-based): chr6:70,232,739, G>A on the plus strand (C>T on the coding strand, the complement: COL9A1 is on the minus strand). VCF-style: chr6-70232739-G-A. GRCh37 (hg19) VCF-style: chr6-70942442-G-A.
Other names: c.1648C>T, p.Arg550Cys (NM_001377289.1); c.1471C>T, p.Arg491Cys (NM_001377290.1); c.1618C>T, p.Arg540Cys (NM_078485.4); short protein forms R540C, R783C, R491C, R550C.
Identifiers: ClinVar variation 1515020 (VCV001515020.4), dbSNP rs1268667358, ClinGen allele CA364672117.